The following is an entry in ClinVar:

ClinVar aggregate classification (germline): Uncertain significance. Review status: criteria provided, multiple submitters, no conflicts (2 of 4 stars). 2 submissions from 2 submitters: Uncertain significance (2). Last evaluated 2024-01-20.

Conditions:
Autosomal dominant nonsyndromic hearing loss 6 (LFSNHL). Also called: Autosomal dominant nonsyndromic deafness 6; DEAFNESS, AUTOSOMAL DOMINANT 6; DEAFNESS, AUTOSOMAL DOMINANT 14; DEAFNESS, AUTOSOMAL DOMINANT 38. Identifiers: Orphanet 90635, MedGen C1833021, MONDO:0010963, OMIM 600965.
Type 2 diabetes mellitus. Also called: Type II diabetes mellitus. Identifiers: MedGen C0011860, MeSH D003924, MONDO:0005148, OMIM 125853, HP:0005978.
Wolfram syndrome 1 (WFS1). Identifiers: Orphanet 3463, MedGen C4551693, MONDO:0009101, OMIM 222300.
Wolfram-like syndrome. Also called: HEARING LOSS, PROGRESSIVE, WITH OPTIC ATROPHY AND/OR IMPAIRED GLUCOSE REGULATION. Identifiers: Orphanet 411590, MedGen C3280358, MONDO:0013673, OMIM 614296.
Cataract 41 (CTRCT41). Also called: CATARACT 41, CONGENITAL NUCLEAR TYPE. Identifiers: Orphanet 91492, Orphanet 98991, Orphanet 98992, Orphanet 98995, MedGen C3805412, MONDO:0007287, OMIM 116400.

Submissions (9):

Fulgent Genetics
Classification: Uncertain significance for Cataract 41; Type 2 diabetes mellitus; Wolfram syndrome 1; Autosomal dominant nonsyndromic hearing loss 6; Wolfram-like syndrome. Last evaluated: 2024-01-20. Review status: criteria provided, single submitter. Criteria: ACMG Guidelines, 2015. Collection method: clinical testing. Allele origin: germline.

Labcorp Genetics (formerly Invitae), Labcorp
Classification: Uncertain significance. Last evaluated: 2023-06-17. Review status: criteria provided, single submitter. Criteria: Invitae Variant Classification Sherloc (09022015). Collection method: clinical testing. Allele origin: germline.
Comment: This variant is not present in population databases (gnomAD no frequency). In summary, the available evidence is currently insufficient to determine the role of this variant in disease. Therefore, it has been classified as a Variant of Uncertain Significance. Algorithms developed to predict the effect of sequence changes on RNA splicing suggest that this variant may create or strengthen a splice site. Advanced modeling of protein sequence and biophysical properties (such as structural, functional, and spatial information, amino acid conservation, physicochemical variation, residue mobility, and thermodynamic stability) performed at Invitae indicates that this missense variant is not expected to disrupt WFS1 protein function. ClinVar contains an entry for this variant (Variation ID: 2124640). This variant has not been reported in the literature in individuals affected with WFS1-related conditions. This sequence change replaces valine, which is neutral and non-polar, with leucine, which is neutral and non-polar, at codon 333 of the WFS1 protein (p.Val333Leu).

Dr. Peter K. Rogan Lab, Western University
No classification provided (evidence only). Condition: Nonpapillary renal cell carcinoma. Review status: no classification provided. Collection method: in vitro. Allele origin: not applicable. Functional consequence: retained intron. Not counted in ClinVar's aggregate classification.

Dr. Peter K. Rogan Lab, Western University
No classification provided (evidence only). Condition: Ovarian serous cystadenocarcinoma. Review status: no classification provided. Collection method: in vitro. Allele origin: not applicable. Functional consequence: retained intron. Not counted in ClinVar's aggregate classification.

Dr. Peter K. Rogan Lab, Western University
No classification provided (evidence only). Condition: Ovarian serous cystadenocarcinoma. Review status: no classification provided. Collection method: in vitro. Allele origin: not applicable. Functional consequence: retained intron. Not counted in ClinVar's aggregate classification.

Dr. Peter K. Rogan Lab, Western University
No classification provided (evidence only). Condition: Ovarian serous cystadenocarcinoma. Review status: no classification provided. Collection method: in vitro. Allele origin: not applicable. Functional consequence: retained intron. Not counted in ClinVar's aggregate classification.

Dr. Peter K. Rogan Lab, Western University
No classification provided (evidence only). Condition: Ovarian serous cystadenocarcinoma. Review status: no classification provided. Collection method: in vitro. Allele origin: not applicable. Functional consequence: retained intron. Not counted in ClinVar's aggregate classification.

Dr. Peter K. Rogan Lab, Western University
No classification provided (evidence only). Condition: Ovarian serous cystadenocarcinoma. Review status: no classification provided. Collection method: in vitro. Allele origin: not applicable. Functional consequence: retained intron. Not counted in ClinVar's aggregate classification.

Dr. Peter K. Rogan Lab, Western University
No classification provided (evidence only). Condition: Ovarian serous cystadenocarcinoma. Review status: no classification provided. Collection method: in vitro. Allele origin: not applicable. Functional consequence: retained intron. Not counted in ClinVar's aggregate classification.

NM_006005.3(WFS1):c.997G>C (p.Val333Leu)

Gene: WFS1 (wolframin ER transmembrane glycoprotein; plus strand). Cytogenetic location: 4p16.1.
Variant type: single nucleotide variant.
Coding change: c.997G>C on transcript NM_006005.3 (MANE Select); coding-DNA position 997, G replaced by C.
Protein change: p.Val333Leu; replaces valine 333 with leucine.
Molecular consequence: missense variant.
Genome position (GRCh38, 1-based): chr4:6,300,792, G>C. VCF-style: chr4-6300792-G-C. GRCh37 (hg19) VCF-style: chr4-6302519-G-C.
Other names: c.997G>C, p.Val333Leu (NM_001145853.1); short protein forms V333L, I333L.
Identifiers: ClinVar variation 2124640 (VCV002124640.6), dbSNP rs1801212, ClinGen allele CA356174038.